The following is an entry in ClinVar:

ClinVar aggregate classification (germline): Pathogenic (1 of 4 stars; one submission).

Allele frequency attached by ClinVar (database versions not stated): gnomAD 0.00001; gnomAD exomes 0.00001 and 0.00004; TOPMed 0.00002; ExAC 0.00004.
gnomAD v4.1: 19 of 1,613,394 alleles (0.0012%); highest among the groups gnomAD compares: African/African-American, 0.0027%; no homozygotes.

Submission:

Labcorp Genetics (formerly Invitae), Labcorp
Classification: Pathogenic. Last evaluated: 2025-10-08. Review status: criteria provided, single submitter. Criteria: Invitae Variant Classification Sherloc (09022015). Collection method: clinical testing. Allele origin: germline.
Comment: This sequence change creates a premature translational stop signal (p.Arg324*) in the MTHFD1 gene. It is expected to result in an absent or disrupted protein product. Loss-of-function variants in MTHFD1 are known to be pathogenic (PMID: 21813566, 25633902). This variant is present in population databases (rs761741782, gnomAD 0.04%). This variant has not been reported in the literature in individuals affected with MTHFD1-related conditions. ClinVar contains an entry for this variant (Variation ID: 1454401). For these reasons, this variant has been classified as Pathogenic.

Literature cited by the submitters: PubMed 21813566; PubMed 25633902.

NM_005956.4(MTHFD1):c.970C>T (p.Arg324Ter)

Gene: MTHFD1 (methylenetetrahydrofolate dehydrogenase, cyclohydrolase and formyltetrahydrofolate synthetase 1; plus strand). Cytogenetic location: 14q23.3.
Variant type: single nucleotide variant.
Coding change: c.970C>T on transcript NM_005956.4 (MANE Select); coding-DNA position 970, C replaced by T.
Protein change: p.Arg324Ter; replaces arginine 324 with a stop codon.
Molecular consequence: nonsense.
Genome position (GRCh38, 1-based): chr14:64,426,035, C>T. VCF-style: chr14-64426035-C-T. GRCh37 (hg19) VCF-style: chr14-64892753-C-T.
Other names: c.970C>T, p.Arg324Ter (NM_001364837.1); short protein forms R324*.
Identifiers: ClinVar variation 1454401 (VCV001454401.6), dbSNP rs761741782, ClinGen allele CA7226091.